The following is an entry in ClinVar:

ClinVar aggregate classification (germline): Uncertain significance. Review status: criteria provided, multiple submitters, no conflicts (2 of 4 stars). 2 submissions from 2 submitters: Uncertain significance (2). Last evaluated 2025-08-31.

Conditions:
Inborn genetic diseases. Identifiers: MedGen C0950123, MeSH D030342.

gnomAD v4.1: 40 of 1,608,356 alleles (0.0025%); highest among the groups gnomAD compares: Admixed American, 0.0033%; no homozygotes.

Submissions (2):

Ambry Genetics
Classification: Uncertain significance for Inborn genetic diseases. Last evaluated: 2025-08-31. Review status: criteria provided, single submitter. Criteria: Ambry Variant Classification Scheme 2023. Collection method: clinical testing. Allele origin: germline.

Labcorp Genetics (formerly Invitae), Labcorp
Classification: Uncertain significance. Last evaluated: 2025-06-16. Review status: criteria provided, single submitter. Criteria: Invitae Variant Classification Sherloc (09022015). Collection method: clinical testing. Allele origin: germline.
Comment: This sequence change replaces isoleucine, which is neutral and non-polar, with leucine, which is neutral and non-polar, at codon 118 of the RHBDF2 protein (p.Ile118Leu). This variant is present in population databases (rs373528770, gnomAD 0.003%). This variant has not been reported in the literature in individuals affected with RHBDF2-related conditions. ClinVar contains an entry for this variant (Variation ID: 3709232). An algorithm developed to predict the effect of missense changes on protein structure and function (PolyPhen-2) suggests that this variant is likely to be tolerated. In summary, the available evidence is currently insufficient to determine the role of this variant in disease. Therefore, it has been classified as a Variant of Uncertain Significance.

NM_001005498.4(RHBDF2):c.265A>C (p.Ile89Leu)

Gene: RHBDF2 (rhomboid 5 homolog 2; minus strand). Cytogenetic location: 17q25.1.
Variant type: single nucleotide variant.
Coding change: c.265A>C on transcript NM_001005498.4 (MANE Select); coding-DNA position 265, A replaced by C.
Protein change: p.Ile89Leu; replaces isoleucine 89 with leucine.
Molecular consequence: missense variant. On other transcripts: non-coding transcript variant (3).
Genome position (GRCh38, 1-based): chr17:76,479,740, T>G on the plus strand (A>C on the coding strand, the complement: RHBDF2 is on the minus strand). VCF-style: chr17-76479740-T-G. GRCh37 (hg19) VCF-style: chr17-74475822-T-G.
Other names: c.265A>C, p.Ile89Leu (NM_001376228.1, NM_001376229.1, NM_001376230.1); c.352A>C, p.Ile118Leu (NM_024599.5); short protein forms I89L, I118L.
Identifiers: ClinVar variation 3709232 (VCV003709232.3).